The following is an entry in ClinVar:

NM_152515.5(CKAP2L):c.385T>C (p.Ser129Pro)

Gene: CKAP2L (cytoskeleton associated protein 2L; minus strand). Cytogenetic location: 2q14.1.
Variant type: single nucleotide variant.
Coding change: c.385T>C on transcript NM_152515.5 (MANE Select); coding-DNA position 385, T replaced by C.
Protein change: p.Ser129Pro; replaces serine 129 with proline.
Molecular consequence: missense variant. On other transcripts: 5 prime UTR variant (1), non-coding transcript variant (1).
Genome position (GRCh38, 1-based): chr2:112,756,986, A>G on the plus strand (T>C on the coding strand, the complement: CKAP2L is on the minus strand). VCF-style: chr2-112756986-A-G. GRCh37 (hg19) VCF-style: chr2-113514563-A-G.
Other names: c.-111T>C (NM_001304361.2); short protein forms S129P.
Identifiers: ClinVar variation 779406 (VCV000779406.34), dbSNP rs115154628, ClinGen allele CA1836847.

ClinVar aggregate classification (germline): Benign/Likely benign. Review status: criteria provided, multiple submitters, no conflicts (2 of 4 stars). 4 submissions from 4 submitters: Benign (1); Likely benign (2). 1 of the submissions does not count toward it. Last evaluated 2025-12-09.

Conditions:
CKAP2L-related disorder. Also called: CKAP2L-related condition.

Allele frequency attached by ClinVar (database versions not stated): 1000 Genomes Project 0.00140; gnomAD 0.00140 and 0.00143; TOPMed 0.00145; ESP Exome Variant Server 0.00146; 1000 Genomes Project 30x 0.00172; gnomAD exomes 0.00223.
gnomAD v4.1: 3,430 of 1,614,192 alleles (0.21%); highest among the groups gnomAD compares: Non-Finnish European, 0.27%; 8 homozygotes.

Submissions (4):

Labcorp Genetics (formerly Invitae), Labcorp
Classification: Benign. Last evaluated: 2025-12-09. Review status: criteria provided, single submitter. Criteria: Invitae Variant Classification Sherloc (09022015). Collection method: clinical testing. Allele origin: germline.

CeGaT Center for Human Genetics Tuebingen
Classification: Likely benign. Last evaluated: 2025-07-01. Review status: criteria provided, single submitter. Criteria: CeGaT Center For Human Genetics Tuebingen Variant Classification Criteria Version 2. Collection method: clinical testing. Allele origin: germline. Affected: yes. Observed: 4 variant alleles.
Comment: CKAP2L: BP4, BS2

Blueprint Genetics
Classification: Likely benign. Last evaluated: 2024-11-22. Review status: criteria provided, single submitter. Criteria: ACMG Guidelines, 2015. Collection method: clinical testing. Allele origin: germline.

PreventionGenetics, part of Exact Sciences
Classification: Likely benign for CKAP2L-related condition. Last evaluated: 2024-03-11. Review status: no assertion criteria provided. Collection method: clinical testing. Allele origin: germline. Not counted in ClinVar's aggregate classification.
Comment: This variant is classified as likely benign based on ACMG/AMP sequence variant interpretation guidelines (Richards et al. 2015 PMID: 25741868, with internal and published modifications).